The following is an entry in ClinVar:

NM_031935.3(HMCN1):c.15167T>C (p.Val5056Ala)

Gene: HMCN1 (hemicentin 1; plus strand). Cytogenetic location: 1q31.1.
Variant type: single nucleotide variant.
Coding change: c.15167T>C on transcript NM_031935.3 (MANE Select); coding-DNA position 15167, T replaced by C.
Protein change: p.Val5056Ala; replaces valine 5056 with alanine.
Molecular consequence: missense variant.
Genome position (GRCh38, 1-based): chr1:186,153,898, T>C. VCF-style: chr1-186153898-T-C. GRCh37 (hg19) VCF-style: chr1-186123030-T-C.
Other names: c.15167T>C (NM_031935.2); short protein forms V5056A.
Identifiers: ClinVar variation 1467649 (VCV001467649.7), dbSNP rs199927269, ClinGen allele CA1295166.

ClinVar aggregate classification (germline): Uncertain significance (1 of 4 stars; one submission).

Conditions:
Age related macular degeneration 1 (ARMD1). Also called: MACULOPATHY, AGE-RELATED, 1. Identifiers: MedGen C1864205, MONDO:0011285, OMIM 603075.

Allele frequency attached by ClinVar (database versions not stated): gnomAD exomes 0.00001 and 0.00005; gnomAD 0.00002 and 0.00003; ExAC 0.00005; TOPMed 0.00005; 1000 Genomes Project 0.00020; 1000 Genomes Project 30x 0.00031.
gnomAD v4.1: 23 of 1,614,178 alleles (0.0014%); highest among the groups gnomAD compares: East Asian, 0.025%; no homozygotes.

Submission:

Labcorp Genetics (formerly Invitae), Labcorp
Classification: Uncertain significance. Last evaluated: 2024-11-19. Review status: criteria provided, single submitter. Criteria: Invitae Variant Classification Sherloc (09022015). Collection method: clinical testing. Allele origin: germline.
Comment: This sequence change replaces valine, which is neutral and non-polar, with alanine, which is neutral and non-polar, at codon 5056 of the HMCN1 protein (p.Val5056Ala). This variant is present in population databases (rs199927269, gnomAD 0.05%). This variant has not been reported in the literature in individuals affected with HMCN1-related conditions. ClinVar contains an entry for this variant (Variation ID: 1467649). An algorithm developed to predict the effect of missense changes on protein structure and function (PolyPhen-2) suggests that this variant is likely to be disruptive. In summary, the available evidence is currently insufficient to determine the role of this variant in disease. Therefore, it has been classified as a Variant of Uncertain Significance.